The following is an entry in ClinVar:

ClinVar aggregate classification (germline): Uncertain significance (1 of 4 stars; one submission).

Conditions:
Congenital disorder of glycosylation type 1E (CDG1E). Also called: CONGENITAL DISORDER OF GLYCOSYLATION, TYPE Ie; CDG Ie. Identifiers: Orphanet 79322, MedGen C1837396, MONDO:0012123, OMIM 608799.

Allele frequency attached by ClinVar (database versions not stated): gnomAD 0.00001; gnomAD exomes 0.00002 and 0.00011; TOPMed 0.00003; ExAC 0.00011.

Submission:

Labcorp Genetics (formerly Invitae), Labcorp
Classification: Uncertain significance for Congenital disorder of glycosylation type 1E. Last evaluated: 2022-09-07. Review status: criteria provided, single submitter. Criteria: Invitae Variant Classification Sherloc (09022015). Collection method: clinical testing. Allele origin: germline.
Comment: This sequence change replaces leucine, which is neutral and non-polar, with valine, which is neutral and non-polar, at codon 253 of the DPM1 protein (p.Leu253Val). This variant is present in population databases (rs773403940, gnomAD 0.07%). This variant has not been reported in the literature in individuals affected with DPM1-related conditions. ClinVar contains an entry for this variant (Variation ID: 533132). Algorithms developed to predict the effect of missense changes on protein structure and function are either unavailable or do not agree on the potential impact of this missense change (SIFT: "Deleterious"; PolyPhen-2: "Benign"; Align-GVGD: "Class C25"). In summary, the available evidence is currently insufficient to determine the role of this variant in disease. Therefore, it has been classified as a Variant of Uncertain Significance.

NM_003859.3(DPM1):c.757T>G (p.Leu253Val)

Genes: DPM1 (dolichyl-phosphate mannosyltransferase subunit 1, catalytic; minus strand), ADNP-AS1 (ADNP antisense RNA 1; plus strand). Cytogenetic location: 20q13.13.
Variant type: single nucleotide variant.
Coding change: c.757T>G on transcript NM_003859.3 (MANE Select); coding-DNA position 757, T replaced by G.
Protein change: p.Leu253Val; replaces leucine 253 with valine.
Molecular consequence: missense variant. On other transcripts: non-coding transcript variant (1).
Genome position (GRCh38, 1-based): chr20:50,935,158, A>C on the plus strand (T>G on the coding strand, the complement: DPM1 is on the minus strand). VCF-style: chr20-50935158-A-C. GRCh37 (hg19) VCF-style: chr20-49551695-A-C.
Other names: c.862T>G, p.Leu288Val (NM_001317034.1); c.838T>G, p.Leu280Val (NM_001317035.1); c.688T>G, p.Leu230Val (NM_001317036.1); short protein forms L253V, L288V, L230V, L280V.
Identifiers: ClinVar variation 533132 (VCV000533132.5), dbSNP rs773403940, ClinGen allele CA9908992.
Genomic context (GRCh38, chr20:50,935,158, plus strand): 5'-GAAATGAACGTAACTATAAATGAGTATCTTTCTTTTATGTAGTAGCAAAAAGAGTCAATA[A>C]TCCTTTCAAGAAAGATACTATTTCATTTCCTCCCAACTTGGATTCACCATAAACACGATC-3'
Protein context (NP_003850.1, residues 243-260): GNEIVSFLKG[Leu253Val]LTLFATT